The following is an entry in ClinVar:

ClinVar aggregate classification (germline): Uncertain significance. Review status: criteria provided, multiple submitters, no conflicts (2 of 4 stars). 3 submissions from 3 submitters: Uncertain significance (3). Last evaluated 2025-02-01.

Conditions:
Inborn genetic diseases. Identifiers: MedGen C0950123, MeSH D030342.
Severe intellectual disability-poor language-strabismus-grimacing face-long fingers syndrome (GAND). Also called: GAND SYNDROME. Identifiers: Orphanet 363686, MedGen C3554448, MONDO:0014034, OMIM 615074.

Allele frequency attached by ClinVar (database versions not stated): TOPMed 0.00001.

Submissions (3):

Labcorp Genetics (formerly Invitae), Labcorp
Classification: Uncertain significance. Last evaluated: 2025-02-01. Review status: criteria provided, single submitter. Criteria: Invitae Variant Classification Sherloc (09022015). Collection method: clinical testing. Allele origin: germline.
Comment: This sequence change replaces valine, which is neutral and non-polar, with phenylalanine, which is neutral and non-polar, at codon 210 of the GATAD2B protein (p.Val210Phe). This variant is not present in population databases (gnomAD no frequency). This variant has not been reported in the literature in individuals affected with GATAD2B-related conditions. ClinVar contains an entry for this variant (Variation ID: 1472927). Invitae Evidence Modeling of protein sequence and biophysical properties (such as structural, functional, and spatial information, amino acid conservation, physicochemical variation, residue mobility, and thermodynamic stability) indicates that this missense variant is not expected to disrupt GATAD2B protein function with a negative predictive value of 80%. In summary, the available evidence is currently insufficient to determine the role of this variant in disease. Therefore, it has been classified as a Variant of Uncertain Significance.

Genome-Nilou Lab
Classification: Uncertain significance for Severe intellectual disability-poor language-strabismus-grimacing face-long fingers syndrome. Last evaluated: 2023-04-11. Review status: criteria provided, single submitter. Criteria: ACMG Guidelines, 2015. Collection method: clinical testing. Allele origin: germline. Affected: no.

Ambry Genetics
Classification: Uncertain significance for Inborn genetic diseases. Last evaluated: 2023-01-26. Review status: criteria provided, single submitter. Criteria: Ambry Variant Classification Scheme 2023. Collection method: clinical testing. Allele origin: germline.

NM_020699.4(GATAD2B):c.628G>T (p.Val210Phe)

Gene: GATAD2B (GATA zinc finger domain containing 2B; minus strand). Cytogenetic location: 1q21.3.
Variant type: single nucleotide variant.
Coding change: c.628G>T on transcript NM_020699.4 (MANE Select); coding-DNA position 628, G replaced by T.
Protein change: p.Val210Phe; replaces valine 210 with phenylalanine.
Molecular consequence: missense variant.
Genome position (GRCh38, 1-based): chr1:153,818,141, C>A on the plus strand (G>T on the coding strand, the complement: GATAD2B is on the minus strand). VCF-style: chr1-153818141-C-A. GRCh37 (hg19) VCF-style: chr1-153790617-C-A.
Other names: c.628G>T (NM_020699.2); short protein forms V210F.
Identifiers: ClinVar variation 1472927 (VCV001472927.9), dbSNP rs763237887, ClinGen allele CA342532131.